The following is an entry in ClinVar:

ClinVar aggregate classification (germline): Benign/Likely benign. Review status: criteria provided, multiple submitters, no conflicts (2 of 4 stars). 4 submissions from 4 submitters: Benign (1); Likely benign (3). Last evaluated 2025-06-27.

Conditions:
Inborn genetic diseases. Identifiers: MedGen C0950123, MeSH D030342.

Allele frequency attached by ClinVar (database versions not stated): TOPMed 0.00001; gnomAD 0.00006; gnomAD exomes 0.00007 and 0.00014; ExAC 0.00018; 1000 Genomes Project 30x 0.00031; 1000 Genomes Project 0.00040.
gnomAD v4.1: 109 of 1,613,094 alleles (0.0068%); highest among the groups gnomAD compares: South Asian, 0.11%; no homozygotes.

Submissions (4):

Labcorp Genetics (formerly Invitae), Labcorp
Classification: Benign. Last evaluated: 2025-06-27. Review status: criteria provided, single submitter. Criteria: Invitae Variant Classification Sherloc (09022015). Collection method: clinical testing. Allele origin: germline.

Ambry Genetics
Classification: Likely benign for Inborn genetic diseases. Last evaluated: 2025-06-06. Review status: criteria provided, single submitter. Criteria: Ambry Variant Classification Scheme 2023. Collection method: clinical testing. Allele origin: germline.

Blueprint Genetics
Classification: Likely benign. Last evaluated: 2023-08-23. Review status: criteria provided, single submitter. Criteria: ACMG Guidelines, 2015. Collection method: clinical testing. Allele origin: germline.

CeGaT Center for Human Genetics Tuebingen
Classification: Likely benign. Last evaluated: 2023-02-01. Review status: criteria provided, single submitter. Criteria: CeGaT Center For Human Genetics Tuebingen Variant Classification Criteria Version 2. Collection method: clinical testing. Allele origin: germline. Affected: yes. Observed: 1 variant allele.
Comment: NFKB1: BP4, BP7, BS1

NM_003998.4(NFKB1):c.1155C>T (p.Gly385=)

Gene: NFKB1 (nuclear factor kappa B subunit 1; plus strand). Cytogenetic location: 4q24.
Variant type: single nucleotide variant.
Coding change: c.1155C>T on transcript NM_003998.4 (MANE Select); coding-DNA position 1155, C replaced by T.
Protein change: p.Gly385=; no amino-acid change (glycine 385 retained).
Molecular consequence: synonymous variant.
Genome position (GRCh38, 1-based): chr4:102,593,513, C>T. VCF-style: chr4-102593513-C-T. GRCh37 (hg19) VCF-style: chr4-103514670-C-T.
Other names: c.1155C>T (NM_003998.3); c.1152C>T, p.Gly384= (NM_001165412.2, NM_001319226.2, NM_001382627.1); c.1155C>T, p.Gly385= (NM_001382625.1, NM_001382626.1); c.1113C>T, p.Gly371= (NM_001382628.1).
Identifiers: ClinVar variation 1552693 (VCV001552693.32), dbSNP rs574302000, ClinGen allele CA3026083.
Genomic context (GRCh38, chr4:102,593,513, plus strand): 5'-GAAGCTCATGCCCAATTTTTCGGATAGTTTCGGCGGTGGTAGTGGTGCTGGAGCTGGAGG[C>T]GGAGGCATGTTTGGTAGTGGCGGTGGAGGAGGGGGCACTGGAAGTACAGGTCCAGGTACA-3'
Protein context (NP_003989.2, residues 375-395): FGGGSGAGAG[Gly385=]GGMFGSGGGG